The following is an entry in ClinVar:

GRCh38/hg38 15q13.3(chr15:31729406-32639720)x3

Genes: ARHGAP11A (Rho GTPase activating protein 11A; plus strand), ARHGAP11A-DT (ARHGAP11A divergent transcript; minus strand), ARHGAP11A-SCG5 (ARHGAP11A-SCG5 readthrough; plus strand), CHRNA7 (cholinergic receptor nicotinic alpha 7 subunit), GOLGA8K (golgin A8 family member K) and 9 more. Cytogenetic location: 15q13.3.
Variant type: copy number gain.
Change: copy number 3 (three copies instead of two) of chr15:31,729,406-32,639,720 (910.3 kb, GRCh38 coordinates, 1-based), cytogenetic band 15q13.3.
Identifiers: ClinVar variation 4796028 (VCV004796028.1).

ClinVar aggregate classification (germline): Uncertain significance (1 of 4 stars; one submission).

Submission:

Medical Genetic Center, Changzhi Maternal and Child Health Care Hospital
Classification: Uncertain significance. Last evaluated: 2025-12-10. Review status: criteria provided, single submitter. Criteria: ACMG/ClinGen CNV Guidelines, 2019. Collection method: clinical testing. Allele origin: unknown.
Comment: 1A(0)+3A(0): OTUD7A partial duplication (NM_001382637.1, exon 1)